The following is an entry in ClinVar:

ClinVar aggregate classification (germline): Uncertain significance (1 of 4 stars; one submission).

Conditions:
Familial focal epilepsy with variable foci (FPEVF). Identifiers: Orphanet 98820, MedGen C1858477, MONDO:0020310.

Allele frequency attached by ClinVar (database versions not stated): gnomAD exomes below 0.00001; gnomAD 0.00001; TOPMed 0.00001; ExAC 0.00007; ESP Exome Variant Server 0.00008.

Submission:

Labcorp Genetics (formerly Invitae), Labcorp
Classification: Uncertain significance for Familial focal epilepsy with variable foci. Last evaluated: 2026-01-23. Review status: criteria provided, single submitter. Criteria: Invitae Variant Classification Sherloc (09022015). Collection method: clinical testing. Allele origin: germline.
Comment: This sequence change replaces arginine, which is basic and polar, with glutamine, which is neutral and polar, at codon 286 of the DEPDC5 protein (p.Arg286Gln). This variant is present in population databases (rs369327628, gnomAD 0.03%). This variant has not been reported in the literature in individuals affected with DEPDC5-related conditions. ClinVar contains an entry for this variant (Variation ID: 2059026). Experimental studies and prediction algorithms are not available or were not evaluated, and the functional significance of this variant is currently unknown. In summary, the available evidence is currently insufficient to determine the role of this variant in disease. Therefore, it has been classified as a Variant of Uncertain Significance.

NM_001242896.3(DEPDC5):c.857G>A (p.Arg286Gln)

Gene: DEPDC5 (DEP domain containing 5, GATOR1 subcomplex subunit; plus strand). Cytogenetic location: 22q12.2.
Variant type: single nucleotide variant.
Coding change: c.857G>A on transcript NM_001242896.3 (MANE Select); coding-DNA position 857, G replaced by A.
Protein change: p.Arg286Gln; replaces arginine 286 with glutamine.
Molecular consequence: missense variant. On other transcripts: non-coding transcript variant (5).
Genome position (GRCh38, 1-based): chr22:31,797,689, G>A. VCF-style: chr22-31797689-G-A. GRCh37 (hg19) VCF-style: chr22-32193675-G-A.
Other names: c.857G>A, p.Arg286Gln (NM_001007188.4, NM_001136029.4, NM_001242897.2 and 7 more transcripts); c.773G>A, p.Arg258Gln (NM_001369901.1, NM_001369902.1); short protein forms R258Q, R286Q.
Identifiers: ClinVar variation 2059026 (VCV002059026.4), dbSNP rs369327628, ClinGen allele CA10196128.
Genomic context (GRCh38, chr22:31,797,689, plus strand): 5'-AATGGACTTCACTTCTCGTAACCATTAAAAAACTCTTCATCCAGTATCCAGTGTTGGTGC[G>A]ACTGGAACAGGCAGGTACTGCATTCATGTAATAGATGGTGCGGCGGGGAAAGGAAGTGTA-3'
Protein context (NP_001229825.1, residues 276-296): KLFIQYPVLV[Arg286Gln]LEQAEGFPQG